The following is an entry in ClinVar:

ClinVar aggregate classification (germline): Uncertain significance (1 of 4 stars; one submission).

Allele frequency attached by ClinVar (database versions not stated): gnomAD 0.00001.
gnomAD v4.1: 1 of 1,597,328 alleles (0.000063%); highest among the groups gnomAD compares: Admixed American, 0.0017%; no homozygotes.

Submission:

Labcorp Genetics (formerly Invitae), Labcorp
Classification: Uncertain significance. Last evaluated: 2022-08-16. Review status: criteria provided, single submitter. Criteria: Invitae Variant Classification Sherloc (09022015). Collection method: clinical testing. Allele origin: germline.
Comment: In summary, the available evidence is currently insufficient to determine the role of this variant in disease. Therefore, it has been classified as a Variant of Uncertain Significance. This sequence change replaces leucine, which is neutral and non-polar, with proline, which is neutral and non-polar, at codon 90 of the LRRK1 protein (p.Leu90Pro). This variant is not present in population databases (gnomAD no frequency). This variant has not been reported in the literature in individuals affected with LRRK1-related conditions. ClinVar contains an entry for this variant (Variation ID: 1448105). Algorithms developed to predict the effect of missense changes on protein structure and function are either unavailable or do not agree on the potential impact of this missense change (SIFT: "Deleterious"; PolyPhen-2: "Probably Damaging"; Align-GVGD: "Class C0").

NM_024652.6(LRRK1):c.269T>C (p.Leu90Pro)

Gene: LRRK1 (leucine rich repeat kinase 1; plus strand). Cytogenetic location: 15q26.3.
Variant type: single nucleotide variant.
Coding change: c.269T>C on transcript NM_024652.6 (MANE Select); coding-DNA position 269, T replaced by C.
Protein change: p.Leu90Pro; replaces leucine 90 with proline.
Molecular consequence: missense variant.
Genome position (GRCh38, 1-based): chr15:100,983,535, T>C. VCF-style: chr15-100983535-T-C. GRCh37 (hg19) VCF-style: chr15-101523740-T-C.
Other names: short protein forms L90P.
Identifiers: ClinVar variation 1448105 (VCV001448105.6), dbSNP rs779865899, ClinGen allele CA393950621.
Genomic context (GRCh38, chr15:100,983,535, plus strand): 5'-TGGCAGTTCCTAATAGAGCCAGTCTCACTGGAGCCCTGTTCTGTTTTGACCAGGGCCAGC[T>C]TCTGAGCATCCCGGCAGCCTATGGGGATCTGGAGATGGTCCGCTACCTACTCAGCAAGAG-3'
Protein context (NP_078928.3, residues 80-100): QCASQLEKGQ[Leu90Pro]LSIPAAYGDL